The following is an entry in ClinVar:

NM_001077620.3(PRCD):c.52C>T (p.Arg18Ter)

Genes: CYGB (cytoglobin; minus strand), PRCD (photoreceptor disc component; plus strand). Cytogenetic location: 17q25.1.
Variant type: single nucleotide variant.
Coding change: c.52C>T on transcript NM_001077620.3 (MANE Select); coding-DNA position 52, C replaced by T.
Protein change: p.Arg18Ter; replaces arginine 18 with a stop codon.
Molecular consequence: nonsense.
Genome position (GRCh38, 1-based): chr17:76,540,193, C>T. VCF-style: chr17-76540193-C-T. GRCh37 (hg19) VCF-style: chr17-74536275-C-T.
Other names: short protein forms R18*.
Identifiers: ClinVar variation 987020 (VCV000987020.10), dbSNP rs527451635, ClinGen allele CA8787807.

ClinVar aggregate classification (germline): Pathogenic. Review status: criteria provided, multiple submitters, no conflicts (2 of 4 stars). 5 submissions from 5 submitters: Pathogenic (5). Last evaluated 2025-05-05.

Conditions:
Retinitis pigmentosa (RP). Identifiers: Orphanet 791, MedGen C0035334, MeSH D012174, MONDO:0019200, OMIM 268000. Inheritance: Autosomal dominant, autosomal recessive and X linked inheritance.
Retinal dystrophy. Also called: Inherited retinal dystrophy. Identifiers: Orphanet 71862, MedGen C0854723, MeSH D058499, MONDO:0019118, HP:0000556.
Retinitis pigmentosa 36 (RP36). Identifiers: Orphanet 791, MedGen C1864621, MONDO:0012523, OMIM 610599.

Allele frequency attached by ClinVar (database versions not stated): ExAC 0.00001; gnomAD 0.00001; gnomAD exomes 0.00001; TOPMed 0.00001.
gnomAD v4.1: 12 of 1,578,750 alleles (0.00076%); highest among the groups gnomAD compares: African/African-American, 0.0028%; no homozygotes.

Submissions (5):

Labcorp Genetics (formerly Invitae), Labcorp
Classification: Pathogenic. Last evaluated: 2025-05-05. Review status: criteria provided, single submitter. Criteria: Invitae Variant Classification Sherloc (09022015). Collection method: clinical testing. Allele origin: germline.
Comment: This sequence change creates a premature translational stop signal (p.Arg18*) in the PRCD gene. It is expected to result in an absent or disrupted protein product. Loss-of-function variants in PRCD are known to be pathogenic (PMID: 16938425, 20507925, 23805042, 28181551). The frequency data for this variant in the population databases is considered unreliable, as metrics indicate poor data quality at this position in the gnomAD database. This premature translational stop signal has been observed in individual(s) with retinitis pigmentosa (PMID: 23805042). It has also been observed to segregate with disease in related individuals. ClinVar contains an entry for this variant (Variation ID: 987020). For these reasons, this variant has been classified as Pathogenic.

Lab De Baere, Eye and Developmental Genetics Lab, Ghent University
Classification: Pathogenic for Retinitis pigmentosa. Last evaluated: 2024-10-01. Review status: criteria provided, single submitter. Criteria: ACMG Guidelines, 2015. Collection method: research. Allele origin: inherited. Affected: yes. Observed: 1 variant allele.
Comment: ACMG/AMP guidelines: PM2, PP5, PVS1, PP1, PM3_2

Fulgent Genetics
Classification: Pathogenic for Retinitis pigmentosa 36. Last evaluated: 2024-04-02. Review status: criteria provided, single submitter. Criteria: ACMG Guidelines, 2015. Collection method: clinical testing. Allele origin: germline.

Dept Of Ophthalmology, Nagoya University
Classification: Pathogenic for Retinal dystrophy. Last evaluated: 2023-10-01. Review status: criteria provided, single submitter. Criteria: Submitter's publication. Collection method: research. Allele origin: germline. Affected: yes.

Institute of Medical Genetics and Applied Genomics, University Hospital Tübingen
Classification: Pathogenic. Last evaluated: 2020-10-23. Review status: criteria provided, single submitter. Criteria: ACMG Guidelines, 2015. Collection method: clinical testing. Allele origin: germline. Inheritance: Autosomal recessive inheritance. Affected: yes.

Literature cited by the submitters: PubMed 16938425 (cited by Labcorp Genetics (formerly Invitae), Labcorp); PubMed 20507925 (cited by Labcorp Genetics (formerly Invitae), Labcorp); PubMed 23805042 (cited by Labcorp Genetics (formerly Invitae), Labcorp); PubMed 28181551 (cited by Labcorp Genetics (formerly Invitae), Labcorp).